The following is an entry in ClinVar:

NM_001458.5(FLNC):c.4645C>T (p.Leu1549Phe)

Gene: FLNC (filamin C; plus strand). Cytogenetic location: 7q32.1.
Variant type: single nucleotide variant.
Coding change: c.4645C>T on transcript NM_001458.5 (MANE Select); coding-DNA position 4645, C replaced by T.
Protein change: p.Leu1549Phe; replaces leucine 1549 with phenylalanine.
Molecular consequence: missense variant.
Genome position (GRCh38, 1-based): chr7:128,848,625, C>T. VCF-style: chr7-128848625-C-T. GRCh37 (hg19) VCF-style: chr7-128488679-C-T.
Other names: c.4645C>T, p.Leu1549Phe (NM_001127487.2); short protein forms L1549F.
Identifiers: ClinVar variation 1492038 (VCV001492038.6), dbSNP rs2128937539, ClinGen allele CA369202653.
Genomic context (GRCh38, chr7:128,848,625, plus strand): 5'-TTCAAGATCAAGGTCCTCCCAGCTCATGATGCCAGCAAGGTGCGGGCCAGCGGCCCAGGC[C>T]TCAACGCCTCTGGCATCCCTGCCAGCCTGCCTGTGGAGTTCACCATCGACGCACGGGACG-3'
Protein context (NP_001449.3, residues 1539-1559): ASKVRASGPG[Leu1549Phe]NASGIPASLP

ClinVar aggregate classification (germline): Uncertain significance (1 of 4 stars; one submission).

Conditions:
Myofibrillar myopathy 5. Also called: FILAMINOPATHY, AUTOSOMAL DOMINANT; Filaminopathy (type). Identifiers: Orphanet 171445, MedGen C1836050, MONDO:0012289, OMIM 609524.
Distal myopathy with posterior leg and anterior hand involvement. Also called: WILLIAMS DISTAL MYOPATHY. Identifiers: Orphanet 63273, MedGen C3279722, MONDO:0013550, OMIM 614065.
Hypertrophic cardiomyopathy 26. Also called: Cardiomyopathy, familial hypertrophic, 26. Identifiers: Orphanet 75249, MedGen C4310749, MONDO:0014883, OMIM 617047.

Submission:

Labcorp Genetics (formerly Invitae), Labcorp
Classification: Uncertain significance for Distal myopathy with posterior leg and anterior hand involvement; Myofibrillar myopathy 5; Hypertrophic cardiomyopathy 26. Last evaluated: 2021-12-02. Review status: criteria provided, single submitter. Criteria: Invitae Variant Classification Sherloc (09022015). Collection method: clinical testing. Allele origin: germline.
Comment: This variant has not been reported in the literature in individuals affected with FLNC-related conditions. In summary, the available evidence is currently insufficient to determine the role of this variant in disease. Therefore, it has been classified as a Variant of Uncertain Significance. Algorithms developed to predict the effect of missense changes on protein structure and function are either unavailable or do not agree on the potential impact of this missense change (SIFT: "Deleterious"; PolyPhen-2: "Probably Damaging"; Align-GVGD: "Class C0"). This variant is not present in population databases (gnomAD no frequency). This sequence change replaces leucine, which is neutral and non-polar, with phenylalanine, which is neutral and non-polar, at codon 1549 of the FLNC protein (p.Leu1549Phe).